The following is an entry in ClinVar:

ClinVar aggregate classification (germline): Uncertain significance (1 of 4 stars; one submission).

Submission:

GeneDx
Classification: Uncertain significance. Last evaluated: 2025-05-29. Review status: criteria provided, single submitter. Criteria: GeneDx Variant Classification Process June 2021. Collection method: clinical testing. Allele origin: germline. Affected: yes.
Comment: Not observed at significant frequency in large population cohorts (gnomAD); In silico analysis supports that this missense variant has a deleterious effect on protein structure/function; Has not been previously published as pathogenic or benign to our knowledge

NM_002069.6(GNAI1):c.389T>C (p.Leu130Ser)

Gene: GNAI1 (G protein subunit alpha i1; plus strand). Cytogenetic location: 7q21.11.
Variant type: single nucleotide variant.
Coding change: c.389T>C on transcript NM_002069.6 (MANE Select); coding-DNA position 389, T replaced by C.
Protein change: p.Leu130Ser; replaces leucine 130 with serine.
Molecular consequence: missense variant.
Genome position (GRCh38, 1-based): chr7:80,199,310, T>C. VCF-style: chr7-80199310-T-C. GRCh37 (hg19) VCF-style: chr7-79828626-T-C.
Other names: c.233T>C, p.Leu78Ser (NM_001256414.2); short protein forms L130S, L78S.
Identifiers: ClinVar variation 4532704 (VCV004532704.1).
Genomic context (GRCh38, chr7:80,199,310, plus strand): 5'-TAGCTGGAGCTGCTGAAGAAGGCTTTATGACTGCAGAACTTGCTGGAGTTATAAAGAGAT[T>C]GTGGAAAGATAGTGGTGTACAAGCCTGTTTCAACAGATCCCGAGAGTACCAGCTTAATGA-3'
Protein context (NP_002060.4, residues 120-140): TAELAGVIKR[Leu130Ser]WKDSGVQACF